The following is an entry in ClinVar:

NM_001197104.2(KMT2A):c.7355C>T (p.Pro2452Leu)

Gene: KMT2A (lysine methyltransferase 2A; plus strand). Cytogenetic location: 11q23.3.
Variant type: single nucleotide variant.
Coding change: c.7355C>T on transcript NM_001197104.2 (MANE Select); coding-DNA position 7355, C replaced by T.
Protein change: p.Pro2452Leu; replaces proline 2452 with leucine.
Molecular consequence: missense variant.
Genome position (GRCh38, 1-based): chr11:118,503,247, C>T. VCF-style: chr11-118503247-C-T. GRCh37 (hg19) VCF-style: chr11-118373962-C-T.
Other names: c.7445C>T, p.Pro2482Leu (NM_001412597.1); c.7346C>T, p.Pro2449Leu (NM_005933.4); short protein forms P2449L, P2452L, P2482L.
Identifiers: ClinVar variation 3697179 (VCV003697179.2).
Genomic context (GRCh38, chr11:118,503,247, plus strand): 5'-GGAAAAAATCCTGTAAAGAAACTTTCAAAGAAAAGCATTCCAGTAAATCTTTTTTGGAAC[C>T]TGGTCAGGTGACAACTGGTGAGGAAGGAAACTTGAAGCCAGAGTTTATGGATGAGGTTTT-3'
Protein context (NP_001184033.1, residues 2442-2462): EKHSSKSFLE[Pro2452Leu]GQVTTGEEGN

ClinVar aggregate classification (germline): Uncertain significance (1 of 4 stars; one submission).

Submission:

Labcorp Genetics (formerly Invitae), Labcorp
Classification: Uncertain significance. Last evaluated: 2025-09-02. Review status: criteria provided, single submitter. Criteria: Invitae Variant Classification Sherloc (09022015). Collection method: clinical testing. Allele origin: germline.
Comment: This sequence change replaces proline, which is neutral and non-polar, with leucine, which is neutral and non-polar, at codon 2452 of the KMT2A protein (p.Pro2452Leu). This variant is not present in population databases (gnomAD no frequency). This variant has not been reported in the literature in individuals affected with KMT2A-related conditions. ClinVar contains an entry for this variant (Variation ID: 3697179). Invitae Evidence Modeling of protein sequence and biophysical properties (such as structural, functional, and spatial information, amino acid conservation, physicochemical variation, residue mobility, and thermodynamic stability) indicates that this missense variant is not expected to disrupt KMT2A protein function with a negative predictive value of 95%. In summary, the available evidence is currently insufficient to determine the role of this variant in disease. Therefore, it has been classified as a Variant of Uncertain Significance.